The following is an entry in ClinVar:

NM_000217.3(KCNA1):c.452G>C (p.Arg151Pro)

Gene: KCNA1 (potassium voltage-gated channel subfamily A member 1; plus strand). Cytogenetic location: 12p13.32.
Variant type: single nucleotide variant.
Coding change: c.452G>C on transcript NM_000217.3 (MANE Select); coding-DNA position 452, G replaced by C.
Protein change: p.Arg151Pro; replaces arginine 151 with proline.
Molecular consequence: missense variant.
Genome position (GRCh38, 1-based): chr12:4,911,830, G>C. VCF-style: chr12-4911830-G-C. GRCh37 (hg19) VCF-style: chr12-5020996-G-C.
Other names: short protein forms R151P.
Identifiers: ClinVar variation 3777663 (VCV003777663.1).
Genomic context (GRCh38, chr12:4,911,830, plus strand): 5'-GGGAGGACGAGGGCTTCATCAAGGAGGAGGAGCGCCCTCTGCCCGAGAAGGAGTACCAGC[G>C]CCAGGTGTGGCTGCTCTTCGAGTACCCCGAGAGCTCGGGGCCCGCCAGGGTCATCGCCAT-3'
Protein context (NP_000208.2, residues 141-161): ERPLPEKEYQ[Arg151Pro]QVWLLFEYPE

ClinVar aggregate classification (germline): Uncertain significance (1 of 4 stars; one submission).

Submission:

GeneDx
Classification: Uncertain significance. Last evaluated: 2024-10-12. Review status: criteria provided, single submitter. Criteria: GeneDx Variant Classification Process June 2021. Collection method: clinical testing. Allele origin: germline. Affected: yes.
Comment: Not observed at significant frequency in large population cohorts (gnomAD); In silico analysis supports that this missense variant has a deleterious effect on protein structure/function; Has not been previously published as pathogenic or benign to our knowledge